The following is an entry in ClinVar:

NM_000059.4(BRCA2):c.8678A>G (p.Gln2893Arg)

Gene: BRCA2 (BRCA2 DNA repair associated; plus strand). Cytogenetic location: 13q13.1.
Variant type: single nucleotide variant.
Coding change: c.8678A>G on transcript NM_000059.4 (MANE Select); coding-DNA position 8678, A replaced by G.
Protein change: p.Gln2893Arg; replaces glutamine 2893 with arginine.
Molecular consequence: missense variant.
Genome position (GRCh38, 1-based): chr13:32,376,715, A>G. VCF-style: chr13-32376715-A-G. GRCh37 (hg19) VCF-style: chr13-32950852-A-G.
Other names: short protein forms Q2893R.
Identifiers: ClinVar variation 448992 (VCV000448992.8), dbSNP rs1555288153, ClinGen allele CA387754759.

ClinVar aggregate classification (germline): Uncertain significance. Review status: criteria provided, multiple submitters, no conflicts (2 of 4 stars). 3 submissions from 3 submitters: Uncertain significance (3). Last evaluated 2023-09-10.

Conditions:
Hereditary breast ovarian cancer syndrome. Also called: Hereditary breast and ovarian cancer syndrome; BRCA1- and BRCA2-Associated Hereditary Breast and Ovarian Cancer; Hereditary breast and/or ovarian cancer syndrome; Breast and ovarian cancer; Hereditary breast and ovarian cancer; Hereditary breast and ovarian cancer syndrome (HBOC). Identifiers: Orphanet 145, MedGen C0677776, MeSH D061325, MONDO:0003582. Disease mechanism: loss of function.

Submissions (3):

Labcorp Genetics (formerly Invitae), Labcorp
Classification: Uncertain significance for Hereditary breast ovarian cancer syndrome. Last evaluated: 2023-09-10. Review status: criteria provided, single submitter. Criteria: Invitae Variant Classification Sherloc (09022015). Collection method: clinical testing. Allele origin: germline.
Comment: This variant is not present in population databases (gnomAD no frequency). This sequence change replaces glutamine, which is neutral and polar, with arginine, which is basic and polar, at codon 2893 of the BRCA2 protein (p.Gln2893Arg). This variant has not been reported in the literature in individuals affected with BRCA2-related conditions. In summary, the available evidence is currently insufficient to determine the role of this variant in disease. Therefore, it has been classified as a Variant of Uncertain Significance. Advanced modeling of protein sequence and biophysical properties (such as structural, functional, and spatial information, amino acid conservation, physicochemical variation, residue mobility, and thermodynamic stability) performed at Invitae indicates that this missense variant is not expected to disrupt BRCA2 protein function. ClinVar contains an entry for this variant (Variation ID: 448992).

Women's Health and Genetics/Laboratory Corporation of America, LabCorp
Classification: Uncertain significance. Last evaluated: 2023-01-06. Review status: criteria provided, single submitter. Criteria: LabCorp Variant Classification Summary - May 2015. Collection method: clinical testing. Allele origin: germline.

GeneDx
Classification: Uncertain significance. Last evaluated: 2017-10-26. Review status: criteria provided, single submitter. Criteria: GeneDx Variant Classification (06012015). Collection method: clinical testing. Allele origin: germline. Affected: yes.
Comment: This variant is denoted BRCA2 c.8678A>G at the cDNA level, p.Gln2893Arg (Q2893R) at the protein level, and results in the change of a Glutamine to an Arginine (CAG>CGG). Using alternate nomenclature, this variant would be defined as BRCA2 8906A>G. This variant has not, to our knowledge, been published in the literature as pathogenic or benign. BRCA2 Gln2893Arg was not observed in large population cohorts (Lek 2016). Since Glutamine and Arginine differ in some properties, this is considered a semi-conservative amino acid substitution. BRCA2 Gln2893Arg occurs at a position that is not conserved and is located in the DNA binding domain (Yang 2002). In silico analyses are inconsistent regarding the effect this variant may have on protein structure and function. Based on currently available evidence, it is unclear whether BRCA2 Gln2893Arg is a pathogenic or benign variant. We consider it to be a variant of uncertain significance.